The following is an entry in ClinVar:

ClinVar aggregate classification (germline): Pathogenic (0 of 4 stars; one submission).

Conditions:
Familial adenomatous polyposis 1 (FAP1). Also called: POLYPOSIS, ADENOMATOUS INTESTINAL; FAMILIAL ADENOMATOUS POLYPOSIS 1, ATTENUATED. Identifiers: MedGen C2713442, MONDO:0021056, OMIM 175100. Disease mechanism: loss of function.

Submission:

Department of Pathology and Laboratory Medicine, Sinai Health System
Classification: Pathogenic for Familial adenomatous polyposis 1. Review status: no assertion criteria provided. Collection method: clinical testing. Allele origin: unknown. Affected: yes. Observed: 1 variant allele. Study: The Canadian Open Genetics Repository (COGR).
Comment: The APC p.Ile1649AsnfsX11 variant was not identified in the literature nor was it identified in the following databases: dbSNP, ClinVar, Clinvitae, COGR, Cosmic, MutDB, UMD-LSDB, Insight Colon Cancer Gene Variant Database, Zhejiang Colon Cancer Database, the 1000 Genomes Project, the NHLBI GO Exome Sequencing Project or the Exome Aggregation Consortium (August 8th 2016). The p.Ile1649AsnfsX11 variant is predicted to cause a frameshift, which alters the protein's amino acid sequence beginning at codon 1649 and leads to a premature stop codon 11 codons downstream. This alteration is then predicted to result in a truncated or absent protein and loss of function. Loss of function variants of the APC gene are an established mechanism of disease in familial adenomatous polyposis and is the type of variant expected to cause the disorder. In summary, based on the above information this variant meets our laboratoryâ€šÃ„Ã´s criteria to be classified as pathogenic.

NM_000038.6(APC):c.4945dup (p.Ile1649fs)

Gene: APC (APC regulator of Wnt signaling pathway; plus strand). Cytogenetic location: 5q22.2.
Variant type: Duplication.
Coding change: c.4945dup on transcript NM_000038.6 (MANE Select); coding-DNA position 4945, one base duplicated (A; older notation c.4945dupA).
Protein change: p.Ile1649fs; shifts the reading frame from isoleucine 1649.
Molecular consequence: frameshift variant.
Genome position (GRCh38, 1-based): chr5:112,840,539, A duplicated. VCF-style (leftmost placement, unchanged base first): chr5-112840538-T-TA. GRCh37 (hg19) VCF-style: chr5-112176235-T-TA.
Other names: c.4945dup, p.Ile1649fs (NM_001127510.3, NM_001354895.2); c.4891dup, p.Ile1631fs (NM_001127511.3); c.4999dup, p.Ile1667fs (NM_001354896.2); c.4975dup, p.Ile1659fs (NM_001354897.2); c.4870dup, p.Ile1624fs (NM_001354898.2); c.4861dup, p.Ile1621fs (NM_001354899.2); c.4822dup, p.Ile1608fs (NM_001354900.2); c.4768dup, p.Ile1590fs (NM_001354901.2); and 5 more; short protein forms I1366fs, I1489fs, I1523fs, I1548fs, I1558fs, I1590fs, I1608fs, I1621fs.
Identifiers: ClinVar variation 1049668 (VCV001049668.1), dbSNP rs2149928153, ClinGen allele CA2499217492.